The following is an entry in ClinVar:

ClinVar aggregate classification (germline): Pathogenic (1 of 4 stars; one submission).

Conditions:
Hereditary cancer-predisposing syndrome. Also called: Neoplastic Syndromes, Hereditary; Tumor predisposition; Hereditary neoplastic syndrome; Hereditary Cancer Syndrome. Identifiers: Orphanet 140162, MedGen C0027672, MeSH D009386, MONDO:0015356.

Submission:

Color Diagnostics, LLC DBA Color Health
Classification: Pathogenic for Hereditary cancer-predisposing syndrome. Last evaluated: 2020-05-06. Review status: criteria provided, single submitter. Criteria: ACMG Guidelines, 2015. Collection method: clinical testing. Allele origin: germline.
Comment: This variant deletes 4 nucleotides in exon 10 of the BRCA1 gene, creating a frameshift and premature translation stop signal. This variant is expected to result in an absent or non-functional protein product. To our knowledge, this variant has not been reported in individuals affected with hereditary cancer in the literature. This variant has not been identified in the general population by the Genome Aggregation Database (gnomAD). Loss of BRCA1 function is a known mechanism of disease. Based on the available evidence, this variant is classified as Pathogenic.

NM_007294.4(BRCA1):c.2149_2152del (p.Glu717fs)

Gene: BRCA1 (BRCA1 DNA repair associated; minus strand). Cytogenetic location: 17q21.31.
Variant type: Deletion.
Coding change: c.2149_2152del on transcript NM_007294.4 (MANE Select); coding-DNA positions 2149 to 2152, 4 bases deleted (GAAC; older notation c.2149_2152delGAAC).
Protein change: p.Glu717fs; shifts the reading frame from glutamic acid 717.
Molecular consequence: frameshift variant. On other transcripts: intron variant (137).
Genome position (GRCh38, 1-based): chr17:43,093,379-43,093,382, GTTC deleted on the plus strand (GAAC on the coding strand, the reverse complement: BRCA1 is on the minus strand). VCF-style (leftmost placement, unchanged base first): chr17-43093378-AGTTC-A. GRCh37 (hg19) VCF-style: chr17-41245395-AGTTC-A.
Other names: c.1936_1939del, p.Glu646fs (NM_001407571.1, NM_001407853.1, NM_001407894.1 and 9 more transcripts); c.2149_2152del, p.Glu717fs (NM_001407581.1, NM_001407582.1, NM_001407583.1 and 30 more transcripts); c.2146_2149del, p.Glu716fs (NM_001407587.1, NM_001407590.1, NM_001407591.1 and 22 more transcripts); c.2140_2143del, p.Glu714fs (NM_001407646.1, NM_001407647.1); c.2026_2029del, p.Glu676fs (NM_001407648.1, NM_001407664.1, NM_001407665.1 and 19 more transcripts); c.2023_2026del, p.Glu675fs (NM_001407649.1, NM_001407670.1, NM_001407671.1 and 11 more transcripts); c.2071_2074del, p.Glu691fs (NM_001407653.1, NM_001407654.1, NM_001407655.1 and 4 more transcripts); c.2068_2071del, p.Glu690fs (NM_001407659.1, NM_001407660.1, NM_001407661.1 and 1 more transcripts); and 42 more; short protein forms E670fs, E717fs, E590fs, E606fs, E676fs, E716fs, E589fs, E649fs.
Identifiers: ClinVar variation 628267 (VCV000628267.5), dbSNP rs1567796819, ClinGen allele CA913188822.